The following is an entry in ClinVar:

ClinVar aggregate classification (germline): Benign/Likely benign. Review status: criteria provided, multiple submitters, no conflicts (2 of 4 stars). 8 submissions from 6 submitters: Benign (7); Likely benign (1). Last evaluated 2026-05-12.

Conditions:
von Willebrand disease type 2 (VWD2). Also called: VWD, TYPE 2; VON WILLEBRAND DISEASE, TYPE 2A/IIE; VON WILLEBRAND DISEASE, TYPE 2CB; VON WILLEBRAND DISEASE, TYPE II. Identifiers: Orphanet 166081, Orphanet 903, MedGen C1264040, MONDO:0013304, OMIM 613554.
von Willebrand disease type 1 (VWD1). Also called: VWD, TYPE 1; VON WILLEBRAND DISEASE, TYPE I. Identifiers: Orphanet 166078, Orphanet 903, MedGen C1264039, MONDO:0008668, OMIM 193400. Inheritance: autosomal recessive or autosomal dominant.
von Willebrand disease type 3 (VWD3). Also called: Type 3 Von Willebrand's disease; Type 3 VWD; Von Willebrand disease, severe form; V WD3; VON WILLEBRAND DISEASE, TYPE III. Identifiers: Orphanet 166096, MedGen C1264041, MONDO:0010191, OMIM 277480.

Allele frequency attached by ClinVar (database versions not stated): 1000 Genomes Project 30x 0.08011; 1000 Genomes Project 0.08227; ESP Exome Variant Server 0.06989; ExAC 0.08207; gnomAD exomes 0.09061 and 0.07917; gnomAD 0.06825 and 0.07025; TOPMed 0.06765.
gnomAD v4.1: 142,947 of 1,613,666 alleles (8.9%); highest among the groups gnomAD compares: East Asian, 14%; 6,925 homozygotes.

Submissions (9):

Women's Health and Genetics/Laboratory Corporation of America, LabCorp
Classification: Benign. Last evaluated: 2026-05-12. Review status: criteria provided, single submitter. Criteria: LabCorp Variant Classification Summary - May 2015. Collection method: clinical testing. Allele origin: germline.

Mayo Clinic Laboratories, Mayo Clinic
Classification: Benign. Last evaluated: 2023-03-01. Review status: criteria provided, single submitter. Criteria: ACMG Guidelines, 2015. Collection method: clinical testing. Allele origin: germline. Observed: 101 variant alleles.
Comment: BA1, BS1, BP4, BP7

Genome-Nilou Lab
Classification: Benign for von Willebrand disease type 1. Last evaluated: 2021-12-05. Review status: criteria provided, single submitter. Criteria: ACMG Guidelines, 2015. Collection method: clinical testing. Allele origin: germline. Affected: no.

Genome-Nilou Lab
Classification: Benign for von Willebrand disease type 3. Last evaluated: 2021-12-05. Review status: criteria provided, single submitter. Criteria: ACMG Guidelines, 2015. Collection method: clinical testing. Allele origin: germline. Affected: no.

Genome-Nilou Lab
Classification: Benign for von Willebrand disease type 2. Last evaluated: 2021-12-05. Review status: criteria provided, single submitter. Criteria: ACMG Guidelines, 2015. Collection method: clinical testing. Allele origin: germline. Affected: no.

ARUP Laboratories, Molecular Genetics and Genomics, ARUP Laboratories
Classification: Benign. Last evaluated: 2021-01-20. Review status: criteria provided, single submitter. Criteria: ARUP Molecular Germline Variant Investigation Process 2021. Collection method: clinical testing. Allele origin: germline.

Breakthrough Genomics
Classification: Likely benign. Review status: criteria provided, single submitter. Criteria: ACMG Guidelines, 2015. Collection method: not provided. Allele origin: germline. Inheritance: Autosomal recessive inheritance. Affected: yes.

PreventionGenetics, part of Exact Sciences
Classification: Benign. Review status: criteria provided, single submitter. Criteria: ACMG Guidelines, 2015. Collection method: clinical testing. Allele origin: germline.

Dr. Peter K. Rogan Lab, Western University
No classification provided (evidence only). Condition: Thymoma. Review status: no classification provided. Collection method: in vitro. Allele origin: not applicable. Functional consequence: retained intron. Not counted in ClinVar's aggregate classification.

NM_000552.5(VWF):c.1626G>A (p.Ala542=)

Gene: VWF (von Willebrand factor; minus strand). Cytogenetic location: 12p13.31.
Variant type: single nucleotide variant.
Coding change: c.1626G>A on transcript NM_000552.5 (MANE Select); coding-DNA position 1626, G replaced by A.
Protein change: p.Ala542=; no amino-acid change (alanine 542 retained).
Molecular consequence: synonymous variant.
Genome position (GRCh38, 1-based): chr12:6,057,952, C>T on the plus strand (G>A on the coding strand, the complement: VWF is on the minus strand). VCF-style: chr12-6057952-C-T. GRCh37 (hg19) VCF-style: chr12-6167118-C-T.
Other names: p.Ala542=; c.1626G>A (NM_000552.4).
Identifiers: ClinVar variation 256656 (VCV000256656.18), dbSNP rs35365059, ClinGen allele CA6403318.